The following is an entry in ClinVar:

NM_001374353.1(GLI2):c.1532C>A (p.Thr511Asn)

Gene: GLI2 (GLI family zinc finger 2; plus strand). Cytogenetic location: 2q14.2.
Variant type: single nucleotide variant.
Coding change: c.1532C>A on transcript NM_001374353.1 (MANE Select); coding-DNA position 1532, C replaced by A.
Protein change: p.Thr511Asn; replaces threonine 511 with asparagine.
Molecular consequence: missense variant.
Genome position (GRCh38, 1-based): chr2:120,982,780, C>A. VCF-style: chr2-120982780-C-A. GRCh37 (hg19) VCF-style: chr2-121740356-C-A.
Other names: c.1583C>A (NM_005270.4); c.1583C>A, p.Thr528Asn (NM_001371271.1, NM_005270.5); c.1157C>A, p.Thr386Asn (NM_001374354.1); short protein forms T386N, T511N, T528N.
Identifiers: ClinVar variation 1298822 (VCV001298822.36), dbSNP rs2105064342, ClinGen allele CA348162159.

ClinVar aggregate classification (germline): Uncertain significance. Review status: criteria provided, multiple submitters, no conflicts (2 of 4 stars). 2 submissions from 2 submitters: Uncertain significance (2). Last evaluated 2024-02-25.

Submissions (2):

GeneDx
Classification: Uncertain significance. Last evaluated: 2024-02-25. Review status: criteria provided, single submitter. Criteria: GeneDx Variant Classification Process June 2021. Collection method: clinical testing. Allele origin: germline. Affected: yes.
Comment: Not observed at significant frequency in large population cohorts (gnomAD); In silico analysis supports that this missense variant has a deleterious effect on protein structure/function; Has not been previously published as pathogenic or benign to our knowledge

CeGaT Center for Human Genetics Tuebingen
Classification: Uncertain significance. Last evaluated: 2021-07-01. Review status: criteria provided, single submitter. Criteria: CeGaT Center For Human Genetics Tuebingen Variant Classification Criteria Version 2. Collection method: clinical testing. Allele origin: germline. Affected: yes. Observed: 1 variant allele.